The following is an entry in ClinVar:

ClinVar aggregate classification (germline): Uncertain significance (1 of 4 stars; one submission).

Submission:

GeneDx
Classification: Uncertain significance. Last evaluated: 2023-04-10. Review status: criteria provided, single submitter. Criteria: GeneDx Variant Classification Process June 2021. Collection method: clinical testing. Allele origin: germline. Affected: yes.
Comment: In-frame deletion of 5 amino acids in a non-repeat region; Not observed at significant frequency in large population cohorts (gnomAD); In silico analysis supports that this variant does not alter protein structure/function; Has not been previously published as pathogenic or benign to our knowledge

NM_001365999.1(SZT2):c.8075_8089del (p.Ile2692_Leu2696del)

Gene: SZT2 (SZT2 subunit of KICSTOR complex; plus strand). Cytogenetic location: 1p34.2.
Variant type: Deletion.
Coding change: c.8075_8089del on transcript NM_001365999.1 (MANE Select); coding-DNA positions 8075 to 8089, 15 bases deleted (TCTTCTGCCTACTCA).
Protein change: p.Ile2692_Leu2696del.
Molecular consequence: inframe deletion.
Genome position (GRCh38, 1-based): chr1:43,442,542-43,442,556, TCTTCTGCCTACTCA deleted; deleting any 15 consecutive bases within chr1:43,442,538-43,442,556 gives the same sequence; the c. name uses the placement nearest the transcript's 3' end. VCF-style (leftmost placement, unchanged base first): chr1-43442537-TCTCATCTTCTGCCTA-T. GRCh37 (hg19) VCF-style: chr1-43908208-TCTCATCTTCTGCCTA-T.
Other names: c.7904_7918del, p.Ile2635_Leu2639del (NM_015284.4).
Identifiers: ClinVar variation 2662533 (VCV002662533.1), dbSNP rs2545853619, ClinGen allele CA2695198006.